The following is an entry in ClinVar:

ClinVar aggregate classification (germline): Uncertain significance (1 of 4 stars; one submission).

Allele frequency attached by ClinVar (database versions not stated): gnomAD exomes 0.00001.

Submission:

Labcorp Genetics (formerly Invitae), Labcorp
Classification: Uncertain significance. Last evaluated: 2025-06-29. Review status: criteria provided, single submitter. Criteria: Invitae Variant Classification Sherloc (09022015). Collection method: clinical testing. Allele origin: germline.
Comment: This sequence change replaces proline, which is neutral and non-polar, with serine, which is neutral and polar, at codon 165 of the NFE2L2 protein (p.Pro165Ser). This variant is not present in population databases (gnomAD no frequency). This variant has not been reported in the literature in individuals affected with NFE2L2-related conditions. ClinVar contains an entry for this variant (Variation ID: 2896239). Invitae Evidence Modeling of protein sequence and biophysical properties (such as structural, functional, and spatial information, amino acid conservation, physicochemical variation, residue mobility, and thermodynamic stability) indicates that this missense variant is not expected to disrupt NFE2L2 protein function with a negative predictive value of 80%. In summary, the available evidence is currently insufficient to determine the role of this variant in disease. Therefore, it has been classified as a Variant of Uncertain Significance.

NM_006164.5(NFE2L2):c.493C>T (p.Pro165Ser)

Gene: NFE2L2 (NFE2 like bZIP transcription factor 2; minus strand). Cytogenetic location: 2q31.2.
Variant type: single nucleotide variant.
Coding change: c.493C>T on transcript NM_006164.5 (MANE Select); coding-DNA position 493, C replaced by T.
Protein change: p.Pro165Ser; replaces proline 165 with serine.
Molecular consequence: missense variant.
Genome position (GRCh38, 1-based): chr2:177,232,493, G>A on the plus strand (C>T on the coding strand, the complement: NFE2L2 is on the minus strand). VCF-style: chr2-177232493-G-A. GRCh37 (hg19) VCF-style: chr2-178097221-G-A.
Other names: c.445C>T, p.Pro149Ser (NM_001145412.3, NM_001313900.1, NM_001313901.1); c.424C>T, p.Pro142Ser (NM_001145413.3); c.403C>T, p.Pro135Ser (NM_001313902.2); c.274C>T, p.Pro92Ser (NM_001313903.2); c.193C>T, p.Pro65Ser (NM_001313904.1); short protein forms P142S, P149S, P165S, P65S, P92S, P135S.
Identifiers: ClinVar variation 2896239 (VCV002896239.3), dbSNP rs1689589632, ClinGen allele CA349376326.
Genomic context (GRCh38, chr2:177,232,493, plus strand): 5'-CAATGTCCTGTTGCATACCGTCTAAATCAACAGGGGCTACCTGAGCAACAGAAGTTTCAG[G>A]TGACTGAGCCTGATTAGTAGCAATGAAGACTGGGCTCTCGATGTGACCGGGAATATCAGG-3'
Protein context (NP_006155.2, residues 155-175): VFIATNQAQS[Pro165Ser]ETSVAQVAPV